The following is an entry in ClinVar:

ClinVar aggregate classification (germline): Uncertain significance (1 of 4 stars; one submission).

Allele frequency attached by ClinVar (database versions not stated): ExAC 0.00002; gnomAD 0.00002 and 0.00004; gnomAD exomes 0.00002 and 0.00009; TOPMed 0.00003.
gnomAD v4.1: 134 of 1,614,060 alleles (0.0083%); highest among the groups gnomAD compares: East Asian, 0.27%; no homozygotes.

Submission:

Labcorp Genetics (formerly Invitae), Labcorp
Classification: Uncertain significance. Last evaluated: 2021-06-04. Review status: criteria provided, single submitter. Criteria: Invitae Variant Classification Sherloc (09022015). Collection method: clinical testing. Allele origin: germline.
Comment: This sequence change replaces arginine with tryptophan at codon 1416 of the ADAMTS9 protein (p.Arg1416Trp). The arginine residue is highly conserved and there is a moderate physicochemical difference between arginine and tryptophan. This variant is present in population databases (rs766052445, ExAC 0.02%). This variant has not been reported in the literature in individuals with ADAMTS9-related conditions. Algorithms developed to predict the effect of missense changes on protein structure and function (SIFT, PolyPhen-2, Align-GVGD) all suggest that this variant is likely to be disruptive, but these predictions have not been confirmed by published functional studies and their clinical significance is uncertain. In summary, the available evidence is currently insufficient to determine the role of this variant in disease. Therefore, it has been classified as a Variant of Uncertain Significance.

NM_182920.2(ADAMTS9):c.4246C>T (p.Arg1416Trp)

Gene: ADAMTS9 (ADAM metallopeptidase with thrombospondin type 1 motif 9; minus strand). Cytogenetic location: 3p14.1.
Variant type: single nucleotide variant.
Coding change: c.4246C>T on transcript NM_182920.2 (MANE Select); coding-DNA position 4246, C replaced by T.
Protein change: p.Arg1416Trp; replaces arginine 1416 with tryptophan.
Molecular consequence: missense variant.
Genome position (GRCh38, 1-based): chr3:64,594,368, G>A on the plus strand (C>T on the coding strand, the complement: ADAMTS9 is on the minus strand). VCF-style: chr3-64594368-G-A. GRCh37 (hg19) VCF-style: chr3-64580044-G-A.
Other names: c.4162C>T, p.Arg1388Trp (NM_001318781.2); short protein forms R1388W, R1416W.
Identifiers: ClinVar variation 1353100 (VCV001353100.8), dbSNP rs766052445, ClinGen allele CA2480575.